The following is an entry in ClinVar:

NM_020461.4(TUBGCP6):c.125A>G (p.Tyr42Cys)

Gene: TUBGCP6 (tubulin gamma complex component 6; minus strand). Cytogenetic location: 22q13.33.
Variant type: single nucleotide variant.
Coding change: c.125A>G on transcript NM_020461.4 (MANE Select); coding-DNA position 125, A replaced by G.
Protein change: p.Tyr42Cys; replaces tyrosine 42 with cysteine.
Molecular consequence: missense variant.
Genome position (GRCh38, 1-based): chr22:50,244,335, T>C on the plus strand (A>G on the coding strand, the complement: TUBGCP6 is on the minus strand). VCF-style: chr22-50244335-T-C. GRCh37 (hg19) VCF-style: chr22-50682764-T-C.
Other names: short protein forms Y42C.
Identifiers: ClinVar variation 1055515 (VCV001055515.9), dbSNP rs765639659, ClinGen allele CA10309114.

ClinVar aggregate classification (germline): Uncertain significance (1 of 4 stars; one submission).

Allele frequency attached by ClinVar (database versions not stated): gnomAD exomes below 0.00001; ExAC 0.00001.
gnomAD v4.1: 2 of 1,613,574 alleles (0.00012%); highest among the groups gnomAD compares: Non-Finnish European, 0.000085%; no homozygotes.

Submission:

Labcorp Genetics (formerly Invitae), Labcorp
Classification: Uncertain significance. Last evaluated: 2020-08-04. Review status: criteria provided, single submitter. Criteria: Invitae Variant Classification Sherloc (09022015). Collection method: clinical testing. Allele origin: germline.
Comment: In summary, the available evidence is currently insufficient to determine the role of this variant in disease. Therefore, it has been classified as a Variant of Uncertain Significance. This sequence change replaces tyrosine with cysteine at codon 42 of the TUBGCP6 protein (p.Tyr42Cys). The tyrosine residue is moderately conserved and there is a large physicochemical difference between tyrosine and cysteine. This variant is present in population databases (rs765639659, ExAC 0.009%). This variant has not been reported in the literature in individuals with TUBGCP6-related conditions. Algorithms developed to predict the effect of missense changes on protein structure and function are either unavailable or do not agree on the potential impact of this missense change (SIFT: "Tolerated"; PolyPhen-2: "Probably Damaging"; Align-GVGD: "Class C0").